The following is an entry in ClinVar:

NM_001291415.2(KDM6A):c.3016C>G (p.Pro1006Ala)

Gene: KDM6A (lysine demethylase 6A; plus strand). Cytogenetic location: Xp11.3.
Variant type: single nucleotide variant.
Coding change: c.3016C>G on transcript NM_001291415.2 (MANE Select); coding-DNA position 3016, C replaced by G.
Protein change: p.Pro1006Ala; replaces proline 1006 with alanine.
Molecular consequence: missense variant. On other transcripts: non-coding transcript variant (1).
Genome position (GRCh38, 1-based): chrX:45,078,427, C>G. VCF-style: chrX-45078427-C-G. GRCh37 (hg19) VCF-style: chrX-44937672-C-G.
Other names: c.2881C>G, p.Pro961Ala (NM_001291416.2); c.2725C>G, p.Pro909Ala (NM_001291417.2); c.2623C>G, p.Pro875Ala (NM_001291418.2); c.1972C>G, p.Pro658Ala (NM_001291421.2); c.2860C>G, p.Pro954Ala (NM_021140.4); short protein forms P1006A, P658A, P875A, P909A, P954A, P961A.
Identifiers: ClinVar variation 1305717 (VCV001305717.2), dbSNP rs2148112856, ClinGen allele CA412799457.
Genomic context (GRCh38, chrX:45,078,427, plus strand): 5'-CCTGAGATCTAACCACATATTTTAATTTTACAGTTGGAAAATAAACGTGATGCTTTCTTT[C>G]CTCCATTACATCAATTTTGTACAAATCCGAACAACCCTGTTACAGTAATACGTGGCCTTG-3'
Protein context (NP_001278344.1, residues 996-1016): YLENKRDAFF[Pro1006Ala]PLHQFCTNPN

ClinVar aggregate classification (germline): Uncertain significance (1 of 4 stars; one submission).

gnomAD v4.1: 1 of 1,209,139 alleles (0.000083%); highest among the groups gnomAD compares: Non-Finnish European, 0.00011%; no homozygotes.

Submission:

GeneDx
Classification: Uncertain significance. Last evaluated: 2019-05-13. Review status: criteria provided, single submitter. Criteria: GeneDx Variant Classification Process June 2021. Collection method: clinical testing. Allele origin: germline. Affected: yes.
Comment: Not observed in large population cohorts (Lek et al., 2016); In silico analysis, which includes protein predictors and evolutionary conservation, supports a deleterious effect; Has not been previously published as pathogenic or benign to our knowledge